The following is an entry in ClinVar:

NM_002485.5(NBN):c.702+2del

Gene: NBN (nibrin; minus strand). Cytogenetic location: 8q21.3.
Variant type: Deletion.
Coding change: c.702+2del on transcript NM_002485.5 (MANE Select); the canonical splice donor site of the intron after coding-DNA position 702, one base deleted (T; older notation c.702+2delT).
Molecular consequence: splice donor variant.
Genome position (GRCh38, 1-based): chr8:89,971,171, A deleted on the plus strand (T on the coding strand, the reverse complement: NBN is on the minus strand). VCF-style (leftmost placement, unchanged base first): chr8-89971170-TA-T. GRCh37 (hg19) VCF-style: chr8-90983398-TA-T.
Other names: c.702+2delT (NM_002485.4); c.456+2del (NM_001024688.3).
Identifiers: ClinVar variation 2026452 (VCV002026452.5), dbSNP rs2488315047, ClinGen allele CA2580079053.

ClinVar aggregate classification (germline): Likely pathogenic. Review status: criteria provided, multiple submitters, no conflicts (2 of 4 stars). 2 submissions from 2 submitters: Likely pathogenic (2). Last evaluated 2023-11-29.

Conditions:
Microcephaly, normal intelligence and immunodeficiency (NBS). Also called: Immunodeficiency, microcephaly with normal intelligence; Ataxia telangiectasia variant V1; IMMUNODEFICIENCY, MICROCEPHALY, AND CHROMOSOMAL INSTABILITY; BERLIN BREAKAGE SYNDROME; SEEMANOVA SYNDROME II; Nijmegen breakage syndrome. Identifiers: Orphanet 647, MedGen C0398791, MONDO:0009623, OMIM 251260.
Hereditary cancer-predisposing syndrome. Also called: Neoplastic Syndromes, Hereditary; Hereditary Cancer Syndrome; Tumor predisposition; Hereditary neoplastic syndrome. Identifiers: Orphanet 140162, MedGen C0027672, MeSH D009386, MONDO:0015356.

Submissions (2):

Ambry Genetics
Classification: Likely pathogenic for Hereditary cancer-predisposing syndrome. Last evaluated: 2023-11-29. Review status: criteria provided, single submitter. Criteria: Ambry Variant Classification Scheme 2023. Collection method: clinical testing. Allele origin: germline.
Comment: The c.702+2delT intronic variant, located in intron 6 of the NBN gene, results from a deletion of one nucleotide within intron 6 of the NBN gene. This nucleotide position is highly conserved in available vertebrate species. In silico splice site analysis predicts that this alteration will weaken the native splice donor site. RNA studies have demonstrated that this alteration results in abnormal splicing in the set of samples tested (Ambry internal data). Based on the majority of available evidence to date, this variant is likely to be pathogenic.

Labcorp Genetics (formerly Invitae), Labcorp
Classification: Likely pathogenic for Microcephaly, normal intelligence and immunodeficiency. Last evaluated: 2022-08-23. Review status: criteria provided, single submitter. Criteria: Invitae Variant Classification Sherloc (09022015). Collection method: clinical testing. Allele origin: germline.
Comment: Algorithms developed to predict the effect of sequence changes on RNA splicing suggest that this variant may disrupt the consensus splice site. In summary, the currently available evidence indicates that the variant is pathogenic, but additional data are needed to prove that conclusively. Therefore, this variant has been classified as Likely Pathogenic. This variant has not been reported in the literature in individuals affected with NBN-related conditions. This variant is not present in population databases (gnomAD no frequency). This sequence change affects a splice site in intron 6 of the NBN gene. It is expected to disrupt RNA splicing. Variants that disrupt the donor or acceptor splice site typically lead to a loss of protein function (PMID: 16199547), and loss-of-function variants in NBN are known to be pathogenic (PMID: 9590180, 16415040).

Literature cited by the submitters: PubMed 16199547 (cited by Labcorp Genetics (formerly Invitae), Labcorp); PubMed 9590180 (cited by Labcorp Genetics (formerly Invitae), Labcorp); PubMed 16415040 (cited by Labcorp Genetics (formerly Invitae), Labcorp).